The following is an entry in ClinVar:

ClinVar aggregate classification (germline): Benign/Likely benign. Review status: criteria provided, multiple submitters, no conflicts (2 of 4 stars). 5 submissions from 3 submitters: Benign (3); Likely benign (2). Last evaluated 2021-05-11.

Conditions:
Desmin-related myofibrillar myopathy (MFM1). Also called: Desminopathy; Desmin related myopathy (former name); Desmin storage myopathy (former name); MYOFIBRILLAR MYOPATHY WITH ARRHYTHMOGENIC RIGHT VENTRICULAR CARDIOMYOPATHY; DESMIN-RELATED MYOPATHY WITH ARRHYTHMOGENIC RIGHT VENTRICULAR CARDIOMYOPATHY; Myofibrillar myopathy 1. Identifiers: Orphanet 363543, Orphanet 98909, MedGen C1832370, MONDO:0011076, OMIM 601419.
Neurogenic scapuloperoneal syndrome, Kaeser type (SCPNK). Also called: KAESER SYNDROME. Identifiers: Orphanet 85146, MedGen C1867005, MONDO:0008407, OMIM 181400.
Dilated cardiomyopathy 1I (CMD1I). Identifiers: Orphanet 154, MedGen C1858154, MONDO:0011482, OMIM 604765.

Allele frequency attached by ClinVar (database versions not stated): gnomAD 0.02797; TOPMed 0.03055; 1000 Genomes Project 0.03175; 1000 Genomes Project 30x 0.03295.
gnomAD v4.1: 4,724 of 240,992 alleles (2%); highest among the groups gnomAD compares: African/African-American, 9.8%; 235 homozygotes.

Submissions (5):

GeneDx
Classification: Benign. Last evaluated: 2021-05-11. Review status: criteria provided, single submitter. Criteria: GeneDx Variant Classification Process June 2021. Collection method: clinical testing. Allele origin: germline. Affected: yes.

Illumina Laboratory Services, Illumina
Classification: Likely benign for Dilated cardiomyopathy 1I. Last evaluated: 2018-01-13. Review status: criteria provided, single submitter. Criteria: ICSL Variant Classification Criteria 13 December 2019. Collection method: clinical testing. Allele origin: germline.
Comment: This variant was observed in the ICSL laboratory as part of a predisposition screen in an ostensibly healthy population. It had not been previously curated by ICSL or reported in the Human Gene Mutation Database (HGMD: prior to June 1st, 2018), and was therefore a candidate for classification through an automated scoring system. Utilizing variant allele frequency, disease prevalence and penetrance estimates, and inheritance mode, an automated score was calculated to assess if this variant is too frequent to cause the disease. Based on the score and internal cut-off values, a variant classified as likely benign is not then subjected to further curation. The score for this variant resulted in a classification of likely benign for this disease.

Illumina Laboratory Services, Illumina
Classification: Benign for Myofibrillar myopathy 1. Last evaluated: 2018-01-13. Review status: criteria provided, single submitter. Criteria: ICSL Variant Classification Criteria 13 December 2019. Collection method: clinical testing. Allele origin: germline.
Comment: This variant was observed in the ICSL laboratory as part of a predisposition screen in an ostensibly healthy population. It had not been previously curated by ICSL or reported in the Human Gene Mutation Database (HGMD: prior to June 1st, 2018), and was therefore a candidate for classification through an automated scoring system. Utilizing variant allele frequency, disease prevalence and penetrance estimates, and inheritance mode, an automated score was calculated to assess if this variant is too frequent to cause the disease. Based on the score and internal cut-off values, a variant classified as benign is not then subjected to further curation. The score for this variant resulted in a classification of benign for this disease.

Illumina Laboratory Services, Illumina
Classification: Benign for Neurogenic scapuloperoneal syndrome, Kaeser type. Last evaluated: 2018-01-13. Review status: criteria provided, single submitter. Criteria: ICSL Variant Classification Criteria 13 December 2019. Collection method: clinical testing. Allele origin: germline.
Comment: the same text as in the submission from Illumina Laboratory Services, Illumina above.

Breakthrough Genomics
Classification: Likely benign. Review status: criteria provided, single submitter. Criteria: ACMG Guidelines, 2015. Collection method: not provided. Allele origin: germline. Inheritance: Autosomal recessive inheritance. Affected: yes.

NM_001927.4(DES):c.*468G>T

Gene: DES (desmin; plus strand). Cytogenetic location: 2q35.
Variant type: single nucleotide variant.
Coding change: c.*468G>T on transcript NM_001927.4 (MANE Select); 468 bases downstream of the stop codon, G replaced by T.
Molecular consequence: 3 prime UTR variant.
Genome position (GRCh38, 1-based): chr2:219,426,458, G>T. VCF-style: chr2-219426458-G-T. GRCh37 (hg19) VCF-style: chr2-220291180-G-T.
Other names: c.*468G>T (LRG_380t1).
Identifiers: ClinVar variation 334453 (VCV000334453.10), dbSNP rs73085265, ClinGen allele CA10612867.